The following is an entry in ClinVar:

ClinVar aggregate classification (germline): Uncertain significance. Review status: criteria provided, multiple submitters, no conflicts (2 of 4 stars). 2 submissions from 2 submitters: Uncertain significance (2). Last evaluated 2026-07-18.

Conditions:
SETD2-related disorder.

Submissions (2):

GeneDx
Classification: Uncertain significance. Last evaluated: 2026-07-18. Review status: criteria provided, single submitter. Criteria: GeneDx Variant Classification Process June 2021. Collection method: clinical testing. Allele origin: germline.
Comment: Not observed at significant frequency in large population cohorts (gnomAD); In silico analysis supports that this missense variant has a deleterious effect on protein structure/function; Has not been previously published as pathogenic or benign to our knowledge

PreventionGenetics, part of Exact Sciences
Classification: Uncertain significance for SETD2-related condition. Last evaluated: 2024-12-12. Review status: criteria provided, single submitter. Criteria: ACMG Guidelines, 2015. Collection method: clinical testing. Allele origin: germline.
Comment: The SETD2 c.6118C>G variant is predicted to result in the amino acid substitution p.Arg2040Gly. To our knowledge, this variant has not been reported in the literature or in a large population database (gnomAD), indicating this variant is rare. At this time, the clinical significance of this variant is uncertain due to the absence of conclusive functional and genetic evidence.

NM_014159.7(SETD2):c.6118C>G (p.Arg2040Gly)

Gene: SETD2 (SET domain containing 2, histone lysine methyltransferase; minus strand). Cytogenetic location: 3p21.31.
Variant type: single nucleotide variant.
Coding change: c.6118C>G on transcript NM_014159.7 (MANE Select); coding-DNA position 6118, C replaced by G.
Protein change: p.Arg2040Gly; replaces arginine 2040 with glycine.
Molecular consequence: missense variant. On other transcripts: non-coding transcript variant (1).
Genome position (GRCh38, 1-based): chr3:47,062,338, G>C on the plus strand (C>G on the coding strand, the complement: SETD2 is on the minus strand). VCF-style: chr3-47062338-G-C. GRCh37 (hg19) VCF-style: chr3-47103828-G-C.
Other names: c.5986C>G, p.Arg1996Gly (NM_001349370.3); short protein forms R1996G, R2040G.
Identifiers: ClinVar variation 3340791 (VCV003340791.3).
Genomic context (GRCh38, chr3:47,062,338, plus strand): 5'-ACCTATTAGGAGTCTTCGGGGCAGGTGTTTGATCTCTGAAGCCAACAGCATCCCTTCCTC[G>C]TTCAGTTGCTAAGGGAAAAGGGTGGTTTGTTTGTTTTTTTTTTTTTTAAGTTTATTTGGT-3'
Protein context (NP_054878.5, residues 2030-2050): QTEKENTTTE[Arg2040Gly]GRDAVGFRDQ